The following is an entry in ClinVar:

NM_145200.5(CABP4):c.725C>T (p.Pro242Leu)

Gene: CABP4 (calcium binding protein 4; plus strand). Cytogenetic location: 11q13.2.
Variant type: single nucleotide variant.
Coding change: c.725C>T on transcript NM_145200.5 (MANE Select); coding-DNA position 725, C replaced by T.
Protein change: p.Pro242Leu; replaces proline 242 with leucine.
Molecular consequence: missense variant. On other transcripts: non-coding transcript variant (1).
Genome position (GRCh38, 1-based): chr11:67,458,444, C>T. VCF-style: chr11-67458444-C-T. GRCh37 (hg19) VCF-style: chr11-67225915-C-T.
Other names: c.410C>T, p.Pro137Leu (NM_001300895.3, NM_001300896.3, NM_001379183.1); short protein forms P242L, P137L.
Identifiers: ClinVar variation 1416292 (VCV001416292.6), dbSNP rs758186712, ClinGen allele CA6140332.

ClinVar aggregate classification (germline): Uncertain significance. Review status: criteria provided, multiple submitters, no conflicts (2 of 4 stars). 3 submissions from 3 submitters: Uncertain significance (2). 1 of the submissions does not count toward it. Last evaluated 2023-10-16.

Conditions:
Retinal dystrophy. Also called: Inherited retinal dystrophy. Identifiers: Orphanet 71862, MedGen C0854723, MeSH D058499, MONDO:0019118, HP:0000556.

Allele frequency attached by ClinVar (database versions not stated): ExAC 0.00001; gnomAD exomes 0.00002; TOPMed 0.00002; gnomAD 0.00003.

Submissions (3):

Labcorp Genetics (formerly Invitae), Labcorp
Classification: Uncertain significance. Last evaluated: 2023-10-16. Review status: criteria provided, single submitter. Criteria: Invitae Variant Classification Sherloc (09022015). Collection method: clinical testing. Allele origin: germline.
Comment: This sequence change replaces proline, which is neutral and non-polar, with leucine, which is neutral and non-polar, at codon 242 of the CABP4 protein (p.Pro242Leu). This variant is present in population databases (rs758186712, gnomAD 0.008%). This variant has not been reported in the literature in individuals affected with CABP4-related conditions. ClinVar contains an entry for this variant (Variation ID: 1416292). Advanced modeling of protein sequence and biophysical properties (such as structural, functional, and spatial information, amino acid conservation, physicochemical variation, residue mobility, and thermodynamic stability) performed at Invitae indicates that this missense variant is expected to disrupt CABP4 protein function. In summary, the available evidence is currently insufficient to determine the role of this variant in disease. Therefore, it has been classified as a Variant of Uncertain Significance.

Blueprint Genetics
Classification: Uncertain significance. Last evaluated: 2020-08-06. Review status: criteria provided, single submitter. Criteria: ACMG Guidelines, 2015. Collection method: clinical testing. Allele origin: germline.

Institute of Human Genetics, Univ. Regensburg, Univ. Regensburg
Classification: Uncertain significance for Retinal dystrophy. Last evaluated: 2017-01-01. Review status: no assertion criteria provided. Criteria: ACMG Guidelines, 2015. Collection method: clinical testing. Allele origin: germline. Affected: yes. Not counted in ClinVar's aggregate classification.